The following is an entry in ClinVar:

NM_002087.4(GRN):c.361G>A (p.Val121Met)

Gene: GRN (granulin precursor; plus strand). Cytogenetic location: 17q21.31.
Variant type: single nucleotide variant.
Coding change: c.361G>A on transcript NM_002087.4 (MANE Select); coding-DNA position 361, G replaced by A.
Protein change: p.Val121Met; replaces valine 121 with methionine.
Molecular consequence: missense variant.
Genome position (GRCh38, 1-based): chr17:44,350,239, G>A. VCF-style: chr17-44350239-G-A. GRCh37 (hg19) VCF-style: chr17-42427607-G-A.
Other names: c.361G>A (NM_002087.3); short protein forms V121M.
Identifiers: ClinVar variation 1506670 (VCV001506670.8), dbSNP rs780731069, ClinGen allele CA8601865.

ClinVar aggregate classification (germline): Uncertain significance. Review status: criteria provided, multiple submitters, no conflicts (2 of 4 stars). 2 submissions from 2 submitters: Uncertain significance (2). Last evaluated 2026-01-12.

Conditions:
GRN-related frontotemporal lobar degeneration with Tdp43 inclusions (FTD2). Also called: DEMENTIA, HEREDITARY DYSPHASIC DISINHIBITION; FRONTOTEMPORAL LOBAR DEGENERATION WITH UBIQUITIN-POSITIVE INCLUSIONS; FTLD-TDP, GRN-RELATED; GRN Frontotemporal Dementia; FRONTOTEMPORAL DEMENTIA WITH TDP43 INCLUSIONS, GRN-RELATED. Identifiers: Orphanet 100070, Orphanet 282, MedGen C1843792, MONDO:0011842, OMIM 607485. Disease mechanism: loss of function.
Neuronal ceroid lipofuscinosis 11. Also called: GRN-Related Neuronal Ceroid-Lipofuscinosis. Identifiers: Orphanet 314629, Orphanet 79262, MedGen C3539123, MONDO:0013866, OMIM 614706.

Allele frequency attached by ClinVar (database versions not stated): TOPMed 0.00004; gnomAD 0.00005 and 0.00006; gnomAD exomes 0.00001 and 0.00002; ExAC 0.00003.
gnomAD v4.1: 47 of 1,612,600 alleles (0.0029%); highest among the groups gnomAD compares: East Asian, 0.011%; no homozygotes.

Submissions (2):

Labcorp Genetics (formerly Invitae), Labcorp
Classification: Uncertain significance for Neuronal ceroid lipofuscinosis 11; GRN-related frontotemporal lobar degeneration with Tdp43 inclusions. Last evaluated: 2026-01-12. Review status: criteria provided, single submitter. Criteria: Invitae Variant Classification Sherloc (09022015). Collection method: clinical testing. Allele origin: germline.
Comment: This sequence change replaces valine, which is neutral and non-polar, with methionine, which is neutral and non-polar, at codon 121 of the GRN protein (p.Val121Met). This variant is present in population databases (rs780731069, gnomAD 0.02%). This missense change has been observed in individual(s) with GRN-related conditions (PMID: 27790088). ClinVar contains an entry for this variant (Variation ID: 1506670). An algorithm developed to predict the effect of missense changes on protein structure and function outputs the following: PolyPhen-2: "Benign". The methionine amino acid residue is found in multiple mammalian species, which suggests that this missense change does not adversely affect protein function. In summary, the available evidence is currently insufficient to determine the role of this variant in disease. Therefore, it has been classified as a Variant of Uncertain Significance.

Revvity Omics, Revvity
Classification: Uncertain significance. Last evaluated: 2020-04-30. Review status: criteria provided, single submitter. Criteria: ACMG Guidelines, 2015. Collection method: clinical testing. Allele origin: germline.

Literature cited by the submitters: PubMed 27790088 (cited by Labcorp Genetics (formerly Invitae), Labcorp).